The following is an entry in ClinVar:

NM_173477.5(USH1G):c.812del (p.Pro271fs)

Gene: USH1G (USH1 protein network component sans; minus strand). Cytogenetic location: 17q25.1.
Variant type: Deletion.
Coding change: c.812del on transcript NM_173477.5 (MANE Select); coding-DNA position 812, one base deleted (C; older notation c.812delC).
Protein change: p.Pro271fs; shifts the reading frame from proline 271.
Molecular consequence: frameshift variant.
Genome position (GRCh38, 1-based): chr17:74,920,024, G deleted on the plus strand (C on the coding strand, the reverse complement: USH1G is on the minus strand); the first of 4 consecutive G bases (chr17:74,920,024-74,920,027); deleting any one gives the same sequence. VCF-style (leftmost placement, unchanged base first): chr17-74920023-CG-C. GRCh37 (hg19) VCF-style: chr17-72916118-CG-C.
Other names: c.503del, p.Pro168fs (NM_001282489.3); short protein forms P168fs, P271fs.
Identifiers: ClinVar variation 560917 (VCV000560917.2), dbSNP rs1567939793, ClinGen allele CA658824960.

ClinVar aggregate classification (germline): Pathogenic/Likely pathogenic. Review status: no assertion criteria provided (0 of 4 stars). 2 submissions from 2 submitters: Pathogenic (1); Likely pathogenic (1). Last evaluated 2018-09-10.

Conditions:
Hearing loss, autosomal recessive. Also called: Rare autosomal recessive non-syndromic sensorineural deafness type DFNB; Autosomal recessive nonsyndromic deafness; Nonsyndromic Hearing Loss, Recessive; Deafness, autosomal recessive. Identifiers: Orphanet 90635, Orphanet 90636, MedGen C1846647, MONDO:0019588, OMIM 607197.
Deafness. Identifiers: MedGen C0011053.

Submissions (2):

Center for Statistical Genetics, Columbia University
Classification: Pathogenic for Deafness. Last evaluated: 2018-09-10. Review status: no assertion criteria provided. Collection method: research. Allele origin: inherited. Affected: yes.
Comment: Autosomal recessive

University of Washington Center for Mendelian Genomics, University of Washington
Classification: Likely pathogenic for non-syndromic autosomal recessive hearing loss. Review status: no assertion criteria provided. Collection method: research. Allele origin: inherited. Affected: yes.

Literature cited by the submitters: PubMed 30303587 (cited by University of Washington Center for Mendelian Genomics, University of Washington).